The following is an entry in ClinVar:

ClinVar aggregate classification (germline): Uncertain significance (1 of 4 stars; one submission).

Conditions:
ANKS1B-related disorder. Also called: ANKS1B-related condition.

Submission:

3billion
Classification: Uncertain significance for ANKS1B-related disorder. Last evaluated: 2025-02-26. Review status: criteria provided, single submitter. Criteria: ACMG Guidelines, 2015. Collection method: clinical testing. Allele origin: germline. Affected: yes.
Comment: The variant is not observed in the gnomAD v4.1.0 dataset. Predicted Consequence/Location: Frameshift: predicted to result in a loss or disruption of normal protein function through nonsense-mediated decay (NMD) or protein truncation. Multiple pathogenic variants are reported downstream of the variant. Therefore, this variant is classified as VUS according to the recommendation of ACMG/AMP guideline.

NM_001352186.2(ANKS1B):c.2032del (p.Ser678fs)

Gene: ANKS1B (ankyrin repeat and sterile alpha motif domain containing 1B; minus strand). Cytogenetic location: 12q23.1.
Variant type: Deletion.
Coding change: c.2032del on transcript NM_001352186.2 (MANE Select); coding-DNA position 2032, one base deleted (A; older notation c.2032delA).
Protein change: p.Ser678fs; shifts the reading frame from serine 678.
Molecular consequence: frameshift variant.
Genome position (GRCh38, 1-based): chr12:99,246,589, T deleted on the plus strand (A on the coding strand, the reverse complement: ANKS1B is on the minus strand); the first of 7 consecutive T bases (chr12:99,246,589-99,246,595); deleting any one gives the same sequence. VCF-style (leftmost placement, unchanged base first): chr12-99246588-CT-C. GRCh37 (hg19) VCF-style: chr12-99640366-CT-C.
Other names: c.2032del, p.Ser678fs (NM_001352185.1, NM_001352187.1, NM_001352188.1 and 1 more transcripts); short protein forms S678fs.
Identifiers: ClinVar variation 4293266 (VCV004293266.1).
Genomic context (GRCh38, chr12:99,246,588, plus strand): 5'-TTCCGAGATCCACTCCTGGTTGATCTTGTGCCAACAATGGTATGGTTTTCGAGTTGGTTG[CT>C]TTTTTTGTGAAAAATTGTTCTACTGACCACTTTGGGTTTAATTTTCTTTACCAAAGGTTC-3'